The following is an entry in ClinVar:

NM_000276.4(OCRL):c.1454G>C (p.Arg485Pro)

Gene: OCRL (OCRL inositol polyphosphate-5-phosphatase; plus strand). Cytogenetic location: Xq26.1.
Variant type: single nucleotide variant.
Coding change: c.1454G>C on transcript NM_000276.4 (MANE Select); coding-DNA position 1454, G replaced by C.
Protein change: p.Arg485Pro; replaces arginine 485 with proline.
Molecular consequence: missense variant.
Genome position (GRCh38, 1-based): chrX:129,567,351, G>C. VCF-style: chrX-129567351-G-C. GRCh37 (hg19) VCF-style: chrX-128701328-G-C.
Other names: c.1457G>C, p.Arg486Pro (NM_001318784.2); c.1454G>C, p.Arg485Pro (NM_001587.4); short protein forms R485P, R486P.
Identifiers: ClinVar variation 1019096 (VCV001019096.8), dbSNP rs993587899, ClinGen allele CA414615986.

ClinVar aggregate classification (germline): Uncertain significance (1 of 4 stars; one submission).

Conditions:
Lowe syndrome (OCRL). Also called: PHOSPHATIDYLINOSITOL 4,5-BISPHOSPHATE 5-PHOSPHATASE DEFICIENCY; Oculocerebrorenal Syndrome; LOWE OCULOCEREBRORENAL SYNDROME. Identifiers: Orphanet 534, MedGen C0028860, MONDO:0010645, OMIM 309000.

Submission:

Labcorp Genetics (formerly Invitae), Labcorp
Classification: Uncertain significance for Lowe syndrome. Last evaluated: 2020-10-28. Review status: criteria provided, single submitter. Criteria: Invitae Variant Classification Sherloc (09022015). Collection method: clinical testing. Allele origin: germline.
Comment: In summary, the available evidence is currently insufficient to determine the role of this variant in disease. Therefore, it has been classified as a Variant of Uncertain Significance. Advanced modeling of protein sequence and biophysical properties (such as structural, functional, and spatial information, amino acid conservation, physicochemical variation, residue mobility, and thermodynamic stability) performed at Invitae indicates that this missense variant is expected to disrupt OCRL protein function. This variant has not been reported in the literature in individuals with OCRL-related conditions. This variant is not present in population databases (ExAC no frequency). This sequence change replaces arginine with proline at codon 485 of the OCRL protein (p.Arg485Pro). The arginine residue is moderately conserved and there is a moderate physicochemical difference between arginine and proline.